The following is an entry in ClinVar:

NM_033118.4(MYLK2):c.1505A>G (p.Asp502Gly)

Gene: MYLK2 (myosin light chain kinase 2; plus strand). Cytogenetic location: 20q11.21.
Variant type: single nucleotide variant.
Coding change: c.1505A>G on transcript NM_033118.4 (MANE Select); coding-DNA position 1505, A replaced by G.
Protein change: p.Asp502Gly; replaces aspartic acid 502 with glycine.
Molecular consequence: missense variant.
Genome position (GRCh38, 1-based): chr20:31,831,783, A>G. VCF-style: chr20-31831783-A-G. GRCh37 (hg19) VCF-style: chr20-30419586-A-G.
Other names: short protein forms D502G.
Identifiers: ClinVar variation 654781 (VCV000654781.9), dbSNP rs759960723, ClinGen allele CA9803242.

ClinVar aggregate classification (germline): Conflicting classifications of pathogenicity. Review status: criteria provided, conflicting classifications (1 of 4 stars). 4 submissions from 4 submitters: Uncertain significance (3); Likely benign (1). Last evaluated 2024-12-16.

Conditions:
Hypertrophic cardiomyopathy 1 (CMH1). Also called: MYH7-Related Familial Hypertrophic Cardiomyopathy; Familial hypertrophic cardiomyopathy 1. Identifiers: MedGen C3495498, MONDO:0008647, OMIM 192600.
MYLK2-related disorder. Also called: MYLK2-related condition.

Allele frequency attached by ClinVar (database versions not stated): ExAC 0.00001; gnomAD exomes 0.00003.
gnomAD v4.1: 9 of 1,614,120 alleles (0.00056%); highest among the groups gnomAD compares: Admixed American, 0.0083%; no homozygotes.

Submissions (4):

Labcorp Genetics (formerly Invitae), Labcorp
Classification: Uncertain significance for Hypertrophic cardiomyopathy 1. Last evaluated: 2024-12-16. Review status: criteria provided, single submitter. Criteria: Invitae Variant Classification Sherloc (09022015). Collection method: clinical testing. Allele origin: germline.
Comment: This sequence change replaces aspartic acid, which is acidic and polar, with glycine, which is neutral and non-polar, at codon 502 of the MYLK2 protein (p.Asp502Gly). This variant is present in population databases (rs759960723, gnomAD 0.01%). This variant has not been reported in the literature in individuals affected with MYLK2-related conditions. ClinVar contains an entry for this variant (Variation ID: 654781). Invitae Evidence Modeling of protein sequence and biophysical properties (such as structural, functional, and spatial information, amino acid conservation, physicochemical variation, residue mobility, and thermodynamic stability) indicates that this missense variant is expected to disrupt MYLK2 protein function with a positive predictive value of 80%. In summary, the available evidence is currently insufficient to determine the role of this variant in disease. Therefore, it has been classified as a Variant of Uncertain Significance.

Ambry Genetics
Classification: Uncertain significance. Last evaluated: 2023-10-02. Review status: criteria provided, single submitter. Criteria: Ambry Variant Classification Scheme 2023. Collection method: clinical testing. Allele origin: germline.
Comment: The p.D502G variant (also known as c.1505A>G), located in coding exon 10 of the MYLK2 gene, results from an A to G substitution at nucleotide position 1505. The aspartic acid at codon 502 is replaced by glycine, an amino acid with similar properties. This amino acid position is conserved. In addition, the in silico prediction for this alteration is inconclusive. Since supporting evidence is limited at this time, the clinical significance of this alteration remains unclear.

PreventionGenetics, part of Exact Sciences
Classification: Uncertain significance for MYLK2-related condition. Last evaluated: 2023-09-05. Review status: criteria provided, single submitter. Criteria: ACMG Guidelines, 2015. Collection method: clinical testing. Allele origin: germline.
Comment: The MYLK2 c.1505A>G variant is predicted to result in the amino acid substitution p.Asp502Gly. To our knowledge, this variant has not been reported in the literature. This variant is reported in 0.014% of alleles in individuals of Latino descent in gnomAD. At this time, the clinical significance of this variant is uncertain due to the absence of conclusive functional and genetic evidence.

Blueprint Genetics
Classification: Likely benign. Last evaluated: 2021-11-02. Review status: criteria provided, single submitter. Criteria: ACMG Guidelines, 2015. Collection method: clinical testing. Allele origin: germline.